The following is an entry in ClinVar:

NM_001723.7(DST):c.3907C>T (p.Gln1303Ter)

Gene: DST (dystonin; minus strand). Cytogenetic location: 6p12.1.
Variant type: single nucleotide variant.
Coding change: c.3907C>T on transcript NM_001723.7 (MANE Plus Clinical); coding-DNA position 3907, C replaced by T.
Protein change: p.Gln1303Ter; replaces glutamine 1303 with a stop codon.
Molecular consequence: nonsense. On other transcripts: intron variant (10).
Genome position (GRCh38, 1-based): chr6:56,620,127, G>A on the plus strand (C>T on the coding strand, the complement: DST is on the minus strand). VCF-style: chr6-56620127-G-A. GRCh37 (hg19) VCF-style: chr6-56484925-G-A.
Other names: c.3318+4403C>T (NM_015548.5); c.4830+4403C>T (NM_001144769.5); c.4929+4403C>T (NM_001374722.1, NM_001374736.1); c.4956+4403C>T (NM_001374734.1); c.4416+4403C>T (NM_001144770.2); c.4296+4403C>T (NM_001374730.1, NM_001386100.1, NM_183380.4 and 1 more transcripts); short protein forms Q1303*.
Identifiers: ClinVar variation 4850410 (VCV004850410.1).

ClinVar aggregate classification (germline): Likely pathogenic (1 of 4 stars; one submission).

Conditions:
Epidermolysis bullosa simplex 3, localized or generalized intermediate, with BP230 deficiency (EBS3). Also called: Epidermolysis bullosa simplex, autosomal recessive 2; Epidermolysis bullosa simplex due to BP230 deficiency. Identifiers: Orphanet 412181, MedGen C3809470, MONDO:0014180, OMIM 615425.
Hereditary sensory and autonomic neuropathy type 6. Also called: HSAN VI; Neuropathy, hereditary sensory and autonomic, type VI. Identifiers: Orphanet 314381, MedGen C3539003, MONDO:0013839, OMIM 614653.

gnomAD v4.1: 1 of 1,613,496 alleles (0.000062%); highest among the groups gnomAD compares: Non-Finnish European, 0.000085%; no homozygotes.

Submission:

First Genomix Gene Laboratory, Genetic Diagnostics Department
Classification: Likely pathogenic for Epidermolysis bullosa simplex 3, localized or generalized intermediate, with BP230 deficiency; Hereditary sensory and autonomic neuropathy type 6. Last evaluated: 2025-09-19. Review status: criteria provided, single submitter. Criteria: ACMG Guidelines, 2015. Collection method: clinical testing. Allele origin: germline. Inheritance: Autosomal recessive inheritance. Affected: no. Observed: 1 variant allele.